The following is an entry in ClinVar:

NM_018062.4(FANCL):c.104A>G (p.Asp35Gly)

Gene: FANCL (FA complementation group L; minus strand). Cytogenetic location: 2p16.1.
Variant type: single nucleotide variant.
Coding change: c.104A>G on transcript NM_018062.4 (MANE Select); coding-DNA position 104, A replaced by G.
Protein change: p.Asp35Gly; replaces aspartic acid 35 with glycine.
Molecular consequence: missense variant. On other transcripts: non-coding transcript variant (1).
Genome position (GRCh38, 1-based): chr2:58,232,105, T>C on the plus strand (A>G on the coding strand, the complement: FANCL is on the minus strand). VCF-style: chr2-58232105-T-C. GRCh37 (hg19) VCF-style: chr2-58459240-T-C.
Other names: c.104A>G, p.Asp35Gly (NM_001114636.2, NM_001374615.1, NM_001410792.1); short protein forms D35G.
Identifiers: ClinVar variation 3660444 (VCV003660444.2).

ClinVar aggregate classification (germline): Uncertain significance (1 of 4 stars; one submission).

Conditions:
Fanconi anemia (FA). Also called: Fanconi's anemia. Identifiers: Orphanet 84, MedGen C0015625, MeSH D005199, MONDO:0019391.

Submission:

Labcorp Genetics (formerly Invitae), Labcorp
Classification: Uncertain significance for Fanconi anemia. Last evaluated: 2024-07-24. Review status: criteria provided, single submitter. Criteria: Invitae Variant Classification Sherloc (09022015). Collection method: clinical testing. Allele origin: germline.
Comment: This sequence change replaces aspartic acid, which is acidic and polar, with glycine, which is neutral and non-polar, at codon 35 of the FANCL protein (p.Asp35Gly). This variant is not present in population databases (gnomAD no frequency). This variant has not been reported in the literature in individuals affected with FANCL-related conditions. Advanced modeling of protein sequence and biophysical properties (such as structural, functional, and spatial information, amino acid conservation, physicochemical variation, residue mobility, and thermodynamic stability) performed at Invitae indicates that this missense variant is expected to disrupt FANCL protein function with a positive predictive value of 80%. In summary, the available evidence is currently insufficient to determine the role of this variant in disease. Therefore, it has been classified as a Variant of Uncertain Significance.